The following is an entry in ClinVar:

ClinVar aggregate classification (germline): Conflicting classifications of pathogenicity. Review status: criteria provided, conflicting classifications (1 of 4 stars). 25 submissions from 21 submitters: Uncertain significance (1); Benign (14); Likely benign (5). 5 of the submissions do not count toward it. Last evaluated 2026-09-01.

Conditions:
Dilated cardiomyopathy 1G (CMD1G). Identifiers: Orphanet 154, MedGen C1858763, MONDO:0011400, OMIM 604145.
Autosomal recessive limb-girdle muscular dystrophy type 2J (LGMDR10). Also called: MUSCULAR DYSTROPHY, LIMB-GIRDLE, AUTOSOMAL RECESSIVE 10; Limb-girdle muscular dystrophy, type 2J. Identifiers: Orphanet 140922, MedGen C1837342, MONDO:0012127, OMIM 608807.
Cardiovascular phenotype. Identifiers: MedGen CN230736.
Cardiomyopathy (CMYO). Also called: Cardiomyopathies. Identifiers: Orphanet 167848, MedGen C0878544, MONDO:0004994, HP:0001638. Inheritance: Various modes of inheritance.
Early-onset myopathy with fatal cardiomyopathy (CMYO5). Also called: CONGENITAL MYOPATHY 5 WITH CARDIOMYOPATHY; Salih Myopathy. Identifiers: Orphanet 289377, MedGen C2673677, MONDO:0012714, OMIM 611705. Disease mechanism: loss of function.
Myopathy, myofibrillar, 9, with early respiratory failure (MFM9). Also called: Myopathy, distal, with early respiratory failure, autosomal dominant; Hereditary myopathy with early respiratory failure; MYOPATHY, PROXIMAL, WITH EARLY RESPIRATORY MUSCLE INVOLVEMENT; EDSTROM MYOPATHY. Identifiers: Orphanet 178464, Orphanet 34521, MedGen C1863599, MONDO:0011362, OMIM 603689.
Tibial muscular dystrophy (TMD). Also called: Udd Distal Myopathy – Tibial Muscular Dystrophy; Tibial muscular dystrophy, tardive; UDD MYOPATHY. Identifiers: Orphanet 609, MedGen C1838244, MONDO:0010870, OMIM 600334.
Primary dilated cardiomyopathy (DCM). Also called: Dilated Cardiomyopathy. Identifiers: Orphanet 217604, MedGen C0007193, MeSH D002311, MONDO:0005021, HP:0001644. Inheritance: Various modes of inheritance.

Allele frequency attached by ClinVar (database versions not stated): gnomAD exomes 0.00213 and 0.00361; TOPMed 0.00104; 1000 Genomes Project 30x 0.00578; 1000 Genomes Project 0.00579; gnomAD 0.00104 and 0.00176; ESP Exome Variant Server 0.00138; ExAC 0.00415.
gnomAD v4.1: 3,411 of 1,613,796 alleles (0.21%); highest among the groups gnomAD compares: South Asian, 2%; 47 homozygotes.

Submissions (25):

CeGaT Center for Human Genetics Tuebingen
Classification: Benign. Last evaluated: 2026-09-01. Review status: criteria provided, single submitter. Criteria: CeGaT Center For Human Genetics Tuebingen Variant Classification Criteria Version 2. Collection method: clinical testing. Allele origin: germline. Affected: yes. Observed: 18 variant alleles.
Comment: TTN: BS1, BS2

Labcorp Genetics (formerly Invitae), Labcorp
Classification: Benign for Dilated cardiomyopathy 1G; Autosomal recessive limb-girdle muscular dystrophy type 2J. Last evaluated: 2026-02-03. Review status: criteria provided, single submitter. Criteria: Invitae Variant Classification Sherloc (09022015). Collection method: clinical testing. Allele origin: germline.

Molecular Diagnostic Laboratory for Inherited Cardiovascular Disease, Montreal Heart Institute
Classification: Benign. Last evaluated: 2025-04-09. Review status: criteria provided, single submitter. Criteria: ACMG Guidelines, 2015. Collection method: clinical testing. Allele origin: germline. Affected: no.

Athena Diagnostics
Classification: Benign. Last evaluated: 2025-01-21. Review status: criteria provided, single submitter. Criteria: Athena Diagnostics Criteria. Collection method: clinical testing. Allele origin: unknown.
Comment: The frequency of this variant in the general population is higher than would generally be expected for pathogenic variants in this gene.

ARUP Laboratories, Molecular Genetics and Genomics, ARUP Laboratories
Classification: Benign. Last evaluated: 2024-11-14. Review status: criteria provided, single submitter. Criteria: ARUP Molecular Germline Variant Investigation Process 2024. Collection method: clinical testing. Allele origin: germline.

Mayo Clinic Laboratories, Mayo Clinic
Classification: Benign. Last evaluated: 2023-06-16. Review status: criteria provided, single submitter. Criteria: ACMG Guidelines, 2015. Collection method: clinical testing. Allele origin: germline. Observed: 8 variant alleles.
Comment: BS1, BS2

Women's Health and Genetics/Laboratory Corporation of America, LabCorp
Classification: Likely benign. Last evaluated: 2020-01-06. Review status: criteria provided, single submitter. Criteria: LabCorp Variant Classification Summary - May 2015. Collection method: clinical testing. Allele origin: germline.

CHEO Genetics Diagnostic Laboratory, Children's Hospital of Eastern Ontario
Classification: Benign for Cardiomyopathy. Last evaluated: 2019-05-30. Review status: criteria provided, single submitter. Criteria: ACMG Guidelines, 2015. Collection method: clinical testing. Allele origin: germline.

Illumina Laboratory Services, Illumina
Classification: Benign for Tibial muscular dystrophy. Last evaluated: 2018-01-13. Review status: criteria provided, single submitter. Criteria: ICSL Variant Classification Criteria 13 December 2019. Collection method: clinical testing. Allele origin: germline.
Comment: This variant was observed in the ICSL laboratory as part of a predisposition screen in an ostensibly healthy population. It had not been previously curated by ICSL or reported in the Human Gene Mutation Database (HGMD: prior to June 1st, 2018), and was therefore a candidate for classification through an automated scoring system. Utilizing variant allele frequency, disease prevalence and penetrance estimates, and inheritance mode, an automated score was calculated to assess if this variant is too frequent to cause the disease. Based on the score and internal cut-off values, a variant classified as benign is not then subjected to further curation. The score for this variant resulted in a classification of benign for this disease.

Illumina Laboratory Services, Illumina
Classification: Likely benign for Dilated cardiomyopathy 1G. Last evaluated: 2018-01-13. Review status: criteria provided, single submitter. Criteria: ICSL Variant Classification Criteria 13 December 2019. Collection method: clinical testing. Allele origin: germline.
Comment: This variant was observed in the ICSL laboratory as part of a predisposition screen in an ostensibly healthy population. It had not been previously curated by ICSL or reported in the Human Gene Mutation Database (HGMD: prior to June 1st, 2018), and was therefore a candidate for classification through an automated scoring system. Utilizing variant allele frequency, disease prevalence and penetrance estimates, and inheritance mode, an automated score was calculated to assess if this variant is too frequent to cause the disease. Based on the score and internal cut-off values, a variant classified as likely benign is not then subjected to further curation. The score for this variant resulted in a classification of likely benign for this disease.

Illumina Laboratory Services, Illumina
Classification: Likely benign for Autosomal recessive limb-girdle muscular dystrophy type 2J. Last evaluated: 2018-01-13. Review status: criteria provided, single submitter. Criteria: ICSL Variant Classification Criteria 13 December 2019. Collection method: clinical testing. Allele origin: germline.
Comment: the same text as in the submission from Illumina Laboratory Services, Illumina above.

Illumina Laboratory Services, Illumina
Classification: Benign for Myopathy, myofibrillar, 9, with early respiratory failure. Last evaluated: 2018-01-13. Review status: criteria provided, single submitter. Criteria: ICSL Variant Classification Criteria 13 December 2019. Collection method: clinical testing. Allele origin: germline.
Comment: the same text as in the submission from Illumina Laboratory Services, Illumina above.

Illumina Laboratory Services, Illumina
Classification: Likely benign for Early-onset myopathy with fatal cardiomyopathy. Last evaluated: 2018-01-13. Review status: criteria provided, single submitter. Criteria: ICSL Variant Classification Criteria 13 December 2019. Collection method: clinical testing. Allele origin: germline.
Comment: the same text as in the submission from Illumina Laboratory Services, Illumina above.

Center for Advanced Laboratory Medicine, UC San Diego Health, University of California San Diego
Classification: Benign for Dilated cardiomyopathy. Last evaluated: 2017-02-28. Review status: criteria provided, single submitter. Criteria: ACMG Guidelines, 2015. Collection method: clinical testing. Allele origin: germline. Affected: yes. Observed: 1 variant allele.

Ambry Genetics
Classification: Benign for Cardiovascular phenotype. Last evaluated: 2017-02-22. Review status: criteria provided, single submitter. Criteria: Ambry Variant Classification Scheme 2023. Collection method: clinical testing. Allele origin: germline.

GeneDx
Classification: Benign. Last evaluated: 2016-02-08. Review status: criteria provided, single submitter. Criteria: GeneDx Variant Classification (06012015). Collection method: clinical testing. Allele origin: germline. Affected: yes.
Comment: This variant is considered likely benign or benign based on one or more of the following criteria: it is a conservative change, it occurs at a poorly conserved position in the protein, it is predicted to be benign by multiple in silico algorithms, and/or has population frequency not consistent with disease.

Eurofins Ntd Llc (ga)
Classification: Benign. Last evaluated: 2015-09-01. Review status: criteria provided, single submitter. Criteria: EGL Classification Definitions 2015. Collection method: clinical testing. Allele origin: germline. Observed: 1 variant allele, 1 heterozygote.

Laboratory for Molecular Medicine, Mass General Brigham Personalized Medicine
Classification: Benign. Last evaluated: 2015-02-25. Review status: criteria provided, single submitter. Criteria: LMM Criteria. Collection method: clinical testing. Allele origin: germline. Observed: 12 variant alleles.
Comment: p.Asn24952Lys in exon 275 of TTN: This variant is not expected to have clinical significance because it has been identified in 2.3% (372/16512) of South Asian c hromosomes by the Exome Aggregation Consortium (ExAC .org; dbSNP rs56264840).

Genetic Services Laboratory, University of Chicago
Classification: Uncertain significance. Last evaluated: 2014-03-17. Review status: criteria provided, single submitter. Criteria: ACMG Guidelines, 2007. Collection method: clinical testing. Allele origin: germline.

Biesecker Lab/Clinical Genomics Section, National Institutes of Health
Classification: Likely benign. Last evaluated: 2013-06-24. Review status: criteria provided, single submitter. Criteria: Ng et al. (Circ Cardiovasc Genet. 2013). Collection method: research. Allele origin: unknown. Observed: 3 variant alleles. Study: ClinSeq.
Comment: The study set was not selected for affection status in relation to any cancer. Pathogenicity categories were based on literature curation. See Pubmed ID:23861362 for details.

Medical sequencing

Clinical Genetics DNA and cytogenetics Diagnostics Lab, Erasmus MC, Erasmus Medical Center
Classification: Likely benign. Review status: no assertion criteria provided. Collection method: clinical testing. Allele origin: germline. Affected: yes. Study: VKGL Data-share Consensus. Not counted in ClinVar's aggregate classification.

Clinical Genetics, Academic Medical Center
Classification: Benign. Review status: no assertion criteria provided. Collection method: clinical testing. Allele origin: germline. Affected: yes. Study: VKGL Data-share Consensus. Not counted in ClinVar's aggregate classification.

Diagnostic Laboratory, Department of Genetics, University Medical Center Groningen
Classification: Likely benign. Review status: no assertion criteria provided. Collection method: clinical testing. Allele origin: germline. Affected: yes. Study: VKGL Data-share Consensus. Not counted in ClinVar's aggregate classification.

Joint Genome Diagnostic Labs from Nijmegen and Maastricht, Radboudumc and MUMC+
Classification: Benign. Review status: no assertion criteria provided. Collection method: clinical testing. Allele origin: germline. Affected: yes. Study: VKGL Data-share Consensus. Not counted in ClinVar's aggregate classification.

Laboratory of Diagnostic Genome Analysis, Leiden University Medical Center (LUMC)
Classification: Likely benign. Review status: no assertion criteria provided. Collection method: clinical testing. Allele origin: germline. Affected: yes. Study: VKGL Data-share Consensus. Not counted in ClinVar's aggregate classification.

Literature cited by the submitters: PubMed 24503780 (cited by Athena Diagnostics); PubMed 23861362 (cited by Athena Diagnostics); PubMed 17344846 (cited by Athena Diagnostics).

NM_001267550.2(TTN):c.82560C>A (p.Asn27520Lys)

Genes: TTN-AS1 (TTN antisense RNA 1; plus strand), TTN (titin; minus strand). Cytogenetic location: 2q31.2.
Variant type: single nucleotide variant.
Coding change: c.82560C>A on transcript NM_001267550.2 (MANE Select); coding-DNA position 82560, C replaced by A.
Protein change: p.Asn27520Lys; replaces asparagine 27520 with lysine.
Molecular consequence: missense variant.
Genome position (GRCh38, 1-based): chr2:178,563,572, G>T on the plus strand (C>A on the coding strand, the complement: TTN is on the minus strand). VCF-style: chr2-178563572-G-T. GRCh37 (hg19) VCF-style: chr2-179428299-G-T.
Other names: p.N25879K:AAC>AAA; p.Asn25879Lys; c.77637C>A, p.Asn25879Lys (NM_001256850.1); c.55365C>A, p.Asn18455Lys (NM_003319.4); c.74856C>A, p.Asn24952Lys (NM_133378.4); c.55740C>A, p.Asn18580Lys (NM_133432.3); c.55941C>A, p.Asn18647Lys (NM_133437.4); short protein forms N27520K, N24952K, N25879K, N18455K, N18580K, N18647K.
Identifiers: ClinVar variation 47414 (VCV000047414.66), dbSNP rs56264840, ClinGen allele CA140931.
Genomic context (GRCh38, chr2:178,563,572, plus strand): 5'-ATAGGAATGGCCTTCGGTAAGACCAGTTACCCTGAGCCGCAGATCCGTTAATGTTTTCTT[G>T]TTGCACTTGGTCCATCTAACGCCTTCCTTATCTCGTTTTTCAAGAATGTAGCCCTCAATT-3'
Protein context (NP_001254479.2, residues 27510-27530): DKEGVRWTKC[Asn27520Lys]KKTLTDLRLR